The following is an entry in ClinVar:

ClinVar aggregate classification (germline): Conflicting classifications of pathogenicity. Review status: criteria provided, conflicting classifications (1 of 4 stars). 5 submissions from 5 submitters: Uncertain significance (4); Likely benign (1). Last evaluated 2026-10-01.

Conditions:
Idiopathic Pulmonary Fibrosis. Also called: Idiopathic fibrosing alveolitis, chronic form; idiopathic fibrosing alveolitis. Identifiers: Orphanet 2032, MedGen C1800706, MeSH D054990, MONDO:0800504.
Dyskeratosis congenita, autosomal dominant 2. Identifiers: MedGen C3151443, MONDO:0013521, OMIM 613989.
Dyskeratosis congenita. Identifiers: Orphanet 1775, MedGen C0265965, MONDO:0015780.

Allele frequency attached by ClinVar (database versions not stated): TOPMed 0.00007; gnomAD 0.00009; gnomAD exomes 0.00011 and 0.00015; ESP Exome Variant Server 0.00016; ExAC 0.00022.
gnomAD v4.1: 235 of 1,611,574 alleles (0.015%); highest among the groups gnomAD compares: Non-Finnish European, 0.018%; no homozygotes.

Submissions (5):

St. Jude Molecular Pathology, St. Jude Children's Research Hospital
Classification: Uncertain significance for Dyskeratosis congenita, autosomal dominant 2. Last evaluated: 2026-10-01. Review status: criteria provided, single submitter. Criteria: St. Jude Assertion Criteria 2020. Collection method: clinical testing. Allele origin: germline.
Comment: The TERT c.3164C>T p.(Ser1055Leu) missense change has a maximum subpopulation frequency of 0.022% in gnomAD v2.1.1. The in silico tool REVEL is inconclusive about a pathogenic or benign effect of this variant on protein function, and to our knowledge functional studies have not been performed. To our knowledge, this variant has not been reported in individuals with dyskeratosis congenita. In summary, the evidence currently available is insuffici ent to determine the role of this variant in dyskeratosis congenita. It has therefore been classified as of uncertain significance (VUS-Low).

Labcorp Genetics (formerly Invitae), Labcorp
Classification: Likely benign for Dyskeratosis congenita, autosomal dominant 2; Idiopathic Pulmonary Fibrosis. Last evaluated: 2025-11-24. Review status: criteria provided, single submitter. Criteria: Invitae Variant Classification Sherloc (09022015). Collection method: clinical testing. Allele origin: germline.

Ambry Genetics
Classification: Uncertain significance for Dyskeratosis congenita. Last evaluated: 2025-01-07. Review status: criteria provided, single submitter. Criteria: Ambry Variant Classification Scheme 2023. Collection method: clinical testing. Allele origin: germline.
Comment: The p.S1055L variant (also known as c.3164C>T), located in coding exon 15 of the TERT gene, results from a C to T substitution at nucleotide position 3164. The serine at codon 1055 is replaced by leucine, an amino acid with dissimilar properties. This amino acid position is not well conserved in available vertebrate species. In addition, the in silico prediction for this alteration is inconclusive. The evidence for this gene-disease relationship is limited; therefore, the clinical significance of this alteration is unclear.

GeneDx
Classification: Uncertain significance. Last evaluated: 2024-12-17. Review status: criteria provided, single submitter. Criteria: GeneDx Variant Classification Process June 2021. Collection method: clinical testing. Allele origin: germline. Affected: yes.
Comment: In silico analysis indicates that this missense variant does not alter protein structure/function; Identified in an individual with common variable immunodeficiency (PMID: 37944684); This variant is associated with the following publications: (PMID: 37944684)

Baylor Genetics
Classification: Uncertain significance for Dyskeratosis congenita, autosomal dominant 2. Last evaluated: 2024-02-07. Review status: criteria provided, single submitter. Criteria: ACMG Guidelines, 2015. Collection method: clinical testing. Allele origin: unknown.

NM_198253.3(TERT):c.3164C>T (p.Ser1055Leu)

Gene: TERT (telomerase reverse transcriptase; minus strand). Cytogenetic location: 5p15.33.
Variant type: single nucleotide variant.
Coding change: c.3164C>T on transcript NM_198253.3 (MANE Select); coding-DNA position 3164, C replaced by T.
Protein change: p.Ser1055Leu; replaces serine 1055 with leucine.
Molecular consequence: missense variant. On other transcripts: non-coding transcript variant (2).
Genome position (GRCh38, 1-based): chr5:1,254,499, G>A on the plus strand (C>T on the coding strand, the complement: TERT is on the minus strand). VCF-style: chr5-1254499-G-A. GRCh37 (hg19) VCF-style: chr5-1254614-G-A.
Other names: c.2975C>T, p.Ser992Leu (NM_001193376.3); short protein forms S1055L, S992L.
Identifiers: ClinVar variation 410673 (VCV000410673.20), dbSNP rs201330213, ClinGen allele CA3184255.
Genomic context (GRCh38, chr5:1,254,499, plus strand): 5'-TGGCACAGCCACTGCACGGCCTCGGAGGGCAGAGGGCCGGCGGCGCCCTTGGCCCCCAGC[G>A]ACATCCCTGGGGGAAAACAGAGGCTGAGGAGTCACAGGCCCAGCCCAGCTCCCCTCCCAG-3'
Protein context (NP_937983.2, residues 1045-1065): SILKAKNAGM[Ser1055Leu]LGAKGAAGPL